The following is an entry in ClinVar:

ClinVar aggregate classification (germline): Uncertain significance. Review status: criteria provided, multiple submitters, no conflicts (2 of 4 stars). 2 submissions from 2 submitters: Uncertain significance (2). Last evaluated 2024-07-10.

Allele frequency attached by ClinVar (database versions not stated): gnomAD exomes below 0.00001 and 0.00002; ExAC 0.00003.
gnomAD v4.1: 7 of 1,582,184 alleles (0.00044%); highest among the groups gnomAD compares: Middle Eastern, 0.033%; no homozygotes.

Submissions (2):

GeneDx
Classification: Uncertain significance. Last evaluated: 2024-07-10. Review status: criteria provided, single submitter. Criteria: GeneDx Variant Classification Process June 2021. Collection method: clinical testing. Allele origin: germline. Affected: yes.
Comment: In silico analysis indicates that this missense variant does not alter protein structure/function; Has not been previously published as pathogenic or benign to our knowledge

Labcorp Genetics (formerly Invitae), Labcorp
Classification: Uncertain significance. Last evaluated: 2021-08-23. Review status: criteria provided, single submitter. Criteria: Invitae Variant Classification Sherloc (09022015). Collection method: clinical testing. Allele origin: germline.
Comment: This sequence change replaces leucine with valine at codon 1424 of the TRIOBP protein (p.Leu1424Val). The leucine residue is weakly conserved and there is a small physicochemical difference between leucine and valine. This variant is present in population databases (rs768735088, ExAC 0.01%). This variant has not been reported in the literature in individuals with TRIOBP-related conditions. Algorithms developed to predict the effect of missense changes on protein structure and function are either unavailable or do not agree on the potential impact of this missense change (SIFT: "Deleterious"; PolyPhen-2: "Benign"; Align-GVGD: "Class C0"). In summary, the available evidence is currently insufficient to determine the role of this variant in disease. Therefore, it has been classified as a Variant of Uncertain Significance.

NM_001039141.3(TRIOBP):c.4270C>G (p.Leu1424Val)

Gene: TRIOBP (TRIO and F-actin binding protein; plus strand). Cytogenetic location: 22q13.1.
Variant type: single nucleotide variant.
Coding change: c.4270C>G on transcript NM_001039141.3 (MANE Select); coding-DNA position 4270, C replaced by G.
Protein change: p.Leu1424Val; replaces leucine 1424 with valine.
Molecular consequence: missense variant.
Genome position (GRCh38, 1-based): chr22:37,734,606, C>G. VCF-style: chr22-37734606-C-G. GRCh37 (hg19) VCF-style: chr22-38130613-C-G.
Other names: c.4270C>G (NM_001039141.2); short protein forms L1424V.
Identifiers: ClinVar variation 1439147 (VCV001439147.9), dbSNP rs768735088, ClinGen allele CA10224344.